The following is an entry in ClinVar:

ClinVar aggregate classification (germline): Uncertain significance (1 of 4 stars; one submission).

Allele frequency attached by ClinVar (database versions not stated): gnomAD exomes below 0.00001.
gnomAD v4.1: 2 of 1,612,918 alleles (0.00012%); highest among the groups gnomAD compares: African/African-American, 0.0013%; no homozygotes.

Submission:

Ambry Genetics
Classification: Uncertain significance. Last evaluated: 2024-05-12. Review status: criteria provided, single submitter. Criteria: Ambry Variant Classification Scheme 2023. Collection method: clinical testing. Allele origin: germline.
Comment: The p.L1072P variant (also known as c.3215T>C), located in coding exon 16 of the POLQ gene, results from a T to C substitution at nucleotide position 3215. The leucine at codon 1072 is replaced by proline, an amino acid with similar properties. This amino acid position is conserved. In addition, this alteration is predicted to be tolerated by in silico analysis. Based on the available evidence, the clinical significance of this variant remains unclear.

NM_199420.4(POLQ):c.3215T>C (p.Leu1072Pro)

Gene: POLQ (DNA polymerase theta; minus strand). Cytogenetic location: 3q13.33.
Variant type: single nucleotide variant.
Coding change: c.3215T>C on transcript NM_199420.4 (MANE Select); coding-DNA position 3215, T replaced by C.
Protein change: p.Leu1072Pro; replaces leucine 1072 with proline.
Molecular consequence: missense variant.
Genome position (GRCh38, 1-based): chr3:121,489,716, A>G on the plus strand (T>C on the coding strand, the complement: POLQ is on the minus strand). VCF-style: chr3-121489716-A-G. GRCh37 (hg19) VCF-style: chr3-121208563-A-G.
Other names: short protein forms L1072P.
Identifiers: ClinVar variation 2226896 (VCV002226896.3), dbSNP rs1243071861, ClinGen allele CA354101201.